The following is an entry in ClinVar:

ClinVar aggregate classification (germline): Conflicting classifications of pathogenicity. Review status: criteria provided, conflicting classifications (1 of 4 stars). 2 submissions from 2 submitters: Likely pathogenic (1); Uncertain significance (1). Last evaluated 2026-08-13.

Conditions:
Early-infantile DEE. Also called: Early infantile epileptic encephalopathy; Early infantile epileptic encephalopathy with suppression bursts; Ohtahara syndrome. Identifiers: Orphanet 1934, MedGen C0393706, MONDO:0800491.

Submissions (2):

GeneDx
Classification: Likely pathogenic. Last evaluated: 2026-08-13. Review status: criteria provided, single submitter. Criteria: GeneDx Variant Classification Process June 2021. Collection method: clinical testing. Allele origin: germline.
Comment: Not observed at significant frequency in large population cohorts (gnomAD); In silico analysis supports that this missense variant has a deleterious effect on protein structure/function; This substitution is predicted to be within the C-terminal cytoplasmic domain; This variant is associated with the following publications: (PMID: 18076640, 29655203, 35002176)

Labcorp Genetics (formerly Invitae), Labcorp
Classification: Uncertain significance for Early-infantile DEE. Last evaluated: 2019-08-22. Review status: criteria provided, single submitter. Criteria: Invitae Variant Classification Sherloc (09022015). Collection method: clinical testing. Allele origin: germline.
Comment: In summary, the available evidence is currently insufficient to determine the role of this variant in disease. Therefore, it has been classified as a Variant of Uncertain Significance. Algorithms developed to predict the effect of missense changes on protein structure and function (SIFT, PolyPhen-2, Align-GVGD) all suggest that this variant is likely to be disruptive, but these predictions have not been confirmed by published functional studies and their clinical significance is uncertain. This variant has been observed in individuals with febrile seizures plus (PMID: 18076640, 29655203). ClinVar contains an entry for this variant (Variation ID: 206870). This variant is not present in population databases (ExAC no frequency). This sequence change replaces methionine with threonine at codon 1856 of the SCN1A protein (p.Met1856Thr). The methionine residue is highly conserved and there is a moderate physicochemical difference between methionine and threonine.

Literature cited by the submitters: PubMed 18076640 (cited by Labcorp Genetics (formerly Invitae), Labcorp); PubMed 29655203 (cited by Labcorp Genetics (formerly Invitae), Labcorp).

NM_001165963.4(SCN1A):c.5567T>C (p.Met1856Thr)

Genes: SCN1A (sodium voltage-gated channel alpha subunit 1; minus strand), LOC102724058 (uncharacterized LOC102724058; plus strand). Cytogenetic location: 2q24.3.
Variant type: single nucleotide variant.
Coding change: c.5567T>C on transcript NM_001165963.4 (MANE Select); coding-DNA position 5567, T replaced by C.
Protein change: p.Met1856Thr; replaces methionine 1856 with threonine.
Molecular consequence: missense variant. On other transcripts: non-coding transcript variant (1).
Genome position (GRCh38, 1-based): chr2:165,991,708, A>G on the plus strand (T>C on the coding strand, the complement: SCN1A is on the minus strand). VCF-style: chr2-165991708-A-G. GRCh37 (hg19) VCF-style: chr2-166848218-A-G.
Other names: p.M1856T:ATG>ACG; c.5483T>C, p.Met1828Thr (NM_001165964.3, NM_001353957.2, NM_001353958.2); c.5567T>C, p.Met1856Thr (NM_001202435.3, NM_001353948.2); c.5534T>C, p.Met1845Thr (NM_001353949.2, NM_001353950.2, NM_001353951.2 and 2 more transcripts); c.5531T>C, p.Met1844Thr (NM_001353954.2, NM_001353955.2); c.5480T>C, p.Met1827Thr (NM_001353960.2); c.3125T>C, p.Met1042Thr (NM_001353961.2); short protein forms M1845T, M1856T, M1828T, M1844T, M1042T, M1827T.
Identifiers: ClinVar variation 206870 (VCV000206870.13), dbSNP rs796053041, ClinGen allele CA317625.